The following is an entry in ClinVar:

NM_001374353.1(GLI2):c.1367G>A (p.Arg456His)

Gene: GLI2 (GLI family zinc finger 2; plus strand). Cytogenetic location: 2q14.2.
Variant type: single nucleotide variant.
Coding change: c.1367G>A on transcript NM_001374353.1 (MANE Select); coding-DNA position 1367, G replaced by A.
Protein change: p.Arg456His; replaces arginine 456 with histidine.
Molecular consequence: missense variant.
Genome position (GRCh38, 1-based): chr2:120,978,483, G>A. VCF-style: chr2-120978483-G-A. GRCh37 (hg19) VCF-style: chr2-121736059-G-A.
Other names: c.1418G>A, p.Arg473His (NM_001371271.1, NM_005270.5); c.992G>A, p.Arg331His (NM_001374354.1); c.1418G>A (NM_005270.4); short protein forms R473H, R331H, R456H.
Identifiers: ClinVar variation 1397606 (VCV001397606.36), dbSNP rs150170739, ClinGen allele CA1851896.

ClinVar aggregate classification (germline): Conflicting classifications of pathogenicity. Review status: criteria provided, conflicting classifications (1 of 4 stars). 6 submissions from 6 submitters: Uncertain significance (4); Likely benign (2). Last evaluated 2026-02-19.

Conditions:
Holoprosencephaly 9 (HPE9). Also called: HOLOPROSENCEPHALY WITH MICROPHTHALMIA AND FIRST BRANCHIAL ARCH ANOMALIES; PITUITARY ANOMALIES WITH HOLOPROSENCEPHALY-LIKE FEATURES. Identifiers: Orphanet 2162, MedGen C1835819, MONDO:0012563, OMIM 610829.
Postaxial polydactyly-anterior pituitary anomalies-facial dysmorphism syndrome. Also called: Culler-Jones syndrome. Identifiers: Orphanet 420584, MedGen C4014479, MONDO:0014369, OMIM 615849.

Allele frequency attached by ClinVar (database versions not stated): gnomAD 0.00005; ESP Exome Variant Server 0.00015.
gnomAD v4.1: 122 of 1,614,046 alleles (0.0076%); highest among the groups gnomAD compares: Middle Eastern, 0.41%; no homozygotes.

Submissions (6):

GeneDx
Classification: Uncertain significance. Last evaluated: 2026-02-19. Review status: criteria provided, single submitter. Criteria: GeneDx Variant Classification Process June 2021. Collection method: clinical testing. Allele origin: germline.
Comment: In silico analysis supports that this missense variant has a deleterious effect on protein structure/function; This variant is associated with the following publications: (PMID: 34906515, 22967285, 27884173, 28082821, 37948564)

Labcorp Genetics (formerly Invitae), Labcorp
Classification: Uncertain significance for Postaxial polydactyly-anterior pituitary anomalies-facial dysmorphism syndrome; Holoprosencephaly 9. Last evaluated: 2025-10-01. Review status: criteria provided, single submitter. Criteria: Invitae Variant Classification Sherloc (09022015). Collection method: clinical testing. Allele origin: germline.
Comment: This sequence change replaces arginine, which is basic and polar, with histidine, which is basic and polar, at codon 473 of the GLI2 protein (p.Arg473His). This variant is present in population databases (rs150170739, gnomAD 0.06%), and has an allele count higher than expected for a pathogenic variant. This missense change has been observed in individual(s) with clinical features of GLI2-related conditions (PMID: 22967285, 34906515). ClinVar contains an entry for this variant (Variation ID: 1397606). Invitae Evidence Modeling of protein sequence and biophysical properties (such as structural, functional, and spatial information, amino acid conservation, physicochemical variation, residue mobility, and thermodynamic stability) indicates that this missense variant is not expected to disrupt GLI2 protein function with a negative predictive value of 80%. In summary, the available evidence is currently insufficient to determine the role of this variant in disease. Therefore, it has been classified as a Variant of Uncertain Significance.

Blueprint Genetics
Classification: Likely benign. Last evaluated: 2024-11-20. Review status: criteria provided, single submitter. Criteria: ACMG Guidelines, 2015. Collection method: clinical testing. Allele origin: germline.

Fulgent Genetics
Classification: Uncertain significance for Holoprosencephaly 9; Postaxial polydactyly-anterior pituitary anomalies-facial dysmorphism syndrome. Last evaluated: 2024-06-20. Review status: criteria provided, single submitter. Criteria: ACMG Guidelines, 2015. Collection method: clinical testing. Allele origin: germline.

CeGaT Center for Human Genetics Tuebingen
Classification: Likely benign. Last evaluated: 2023-07-01. Review status: criteria provided, single submitter. Criteria: CeGaT Center For Human Genetics Tuebingen Variant Classification Criteria Version 2. Collection method: clinical testing. Allele origin: germline. Affected: yes. Observed: 1 variant allele.
Comment: GLI2: BS2

Breakthrough Genomics
Classification: Uncertain significance. Review status: criteria provided, single submitter. Criteria: ACMG Guidelines, 2015. Collection method: not provided. Allele origin: germline. Inheritance: Autosomal dominant inheritance. Affected: yes.

Literature cited by the submitters: PubMed 22967285 (cited by Labcorp Genetics (formerly Invitae), Labcorp); PubMed 34906515 (cited by Labcorp Genetics (formerly Invitae), Labcorp).